The following is an entry in ClinVar:

NM_004393.6(DAG1):c.409C>T (p.Arg137Trp)

Gene: DAG1 (dystroglycan 1; plus strand). Cytogenetic location: 3p21.31.
Variant type: single nucleotide variant.
Coding change: c.409C>T on transcript NM_004393.6 (MANE Select); coding-DNA position 409, C replaced by T.
Protein change: p.Arg137Trp; replaces arginine 137 with tryptophan.
Molecular consequence: missense variant.
Genome position (GRCh38, 1-based): chr3:49,530,920, C>T. VCF-style: chr3-49530920-C-T. GRCh37 (hg19) VCF-style: chr3-49568353-C-T.
Other names: c.409C>T, p.Arg137Trp (NM_001165928.4, NM_001177634.3, NM_001177635.3 and 9 more transcripts); short protein forms R137W.
Identifiers: ClinVar variation 1509100 (VCV001509100.5), dbSNP rs374440411, ClinGen allele CA2398899.

ClinVar aggregate classification (germline): Uncertain significance (1 of 4 stars; one submission).

Conditions:
Autosomal recessive limb-girdle muscular dystrophy type 2P. Also called: MUSCULAR DYSTROPHY, LIMB-GIRDLE, TYPE 2P; Limb-Girdle Muscular Dystrophy Type 9C; MUSCULAR DYSTROPHY-DYSTROGLYCANOPATHY, LIMB-GIRDLE, DAG1-RELATED. Identifiers: Orphanet 280333, MedGen C4511963, MONDO:0013440, OMIM 613818.
Muscular dystrophy-dystroglycanopathy (congenital with brain and eye anomalies), type A9. Also called: Muscular dystrophy-dystroglycanopathy (congenital with brain and eye anomalies), type a, 9; WALKER-WARBURG SYNDROME OR MUSCLE-EYE BRAIN DISEASE, DAG1-RELATED. Identifiers: Orphanet 370997, Orphanet 899, MedGen C4225291, MONDO:0014683, OMIM 616538.

Allele frequency attached by ClinVar (database versions not stated): ExAC 0.00001; TOPMed 0.00005; ESP Exome Variant Server 0.00008.
gnomAD v4.1: 11 of 1,614,030 alleles (0.00068%); highest among the groups gnomAD compares: African/African-American, 0.0027%; no homozygotes.

Submission:

Labcorp Genetics (formerly Invitae), Labcorp
Classification: Uncertain significance for Autosomal recessive limb-girdle muscular dystrophy type 2P; Muscular dystrophy-dystroglycanopathy (congenital with brain and eye anomalies), type A9. Last evaluated: 2021-08-30. Review status: criteria provided, single submitter. Criteria: Invitae Variant Classification Sherloc (09022015). Collection method: clinical testing. Allele origin: germline.
Comment: This sequence change replaces arginine with tryptophan at codon 137 of the DAG1 protein (p.Arg137Trp). The arginine residue is moderately conserved and there is a moderate physicochemical difference between arginine and tryptophan. This variant is present in population databases (rs374440411, ExAC 0.01%). This variant has not been reported in the literature in individuals affected with DAG1-related conditions. Algorithms developed to predict the effect of missense changes on protein structure and function are either unavailable or do not agree on the potential impact of this missense change (SIFT: "Deleterious"; PolyPhen-2: "Benign"; Align-GVGD: "Class C0"). In summary, the available evidence is currently insufficient to determine the role of this variant in disease. Therefore, it has been classified as a Variant of Uncertain Significance.